The following is an entry in ClinVar:

ClinVar aggregate classification (germline): Uncertain significance (1 of 4 stars; one submission).

Submission:

GeneDx
Classification: Uncertain significance. Last evaluated: 2024-10-30. Review status: criteria provided, single submitter. Criteria: GeneDx Variant Classification Process June 2021. Collection method: clinical testing. Allele origin: germline. Affected: yes.
Comment: Not observed at significant frequency in large population cohorts (gnomAD); In silico analysis supports that this missense variant has a deleterious effect on protein structure/function; Has not been previously published as pathogenic or benign to our knowledge

NM_001273.5(CHD4):c.287A>T (p.Glu96Val)

Gene: CHD4 (chromodomain helicase DNA binding protein 4; minus strand). Cytogenetic location: 12p13.31.
Variant type: single nucleotide variant.
Coding change: c.287A>T on transcript NM_001273.5 (MANE Select); coding-DNA position 287, A replaced by T.
Protein change: p.Glu96Val; replaces glutamic acid 96 with valine.
Molecular consequence: missense variant.
Genome position (GRCh38, 1-based): chr12:6,602,111, T>A on the plus strand (A>T on the coding strand, the complement: CHD4 is on the minus strand). VCF-style: chr12-6602111-T-A. GRCh37 (hg19) VCF-style: chr12-6711277-T-A.
Other names: c.266A>T, p.Glu89Val (NM_001297553.2); c.287A>T, p.Glu96Val (NM_001363606.2); short protein forms E89V, E96V.
Identifiers: ClinVar variation 3897504 (VCV003897504.1).